The following is an entry in ClinVar:

NM_004999.4(MYO6):c.1785G>T (p.Glu595Asp)

Gene: MYO6 (myosin VI; plus strand). Cytogenetic location: 6q14.1.
Variant type: single nucleotide variant.
Coding change: c.1785G>T on transcript NM_004999.4 (MANE Select); coding-DNA position 1785, G replaced by T.
Protein change: p.Glu595Asp; replaces glutamic acid 595 with aspartic acid.
Molecular consequence: missense variant. On other transcripts: non-coding transcript variant (1).
Genome position (GRCh38, 1-based): chr6:75,866,946, G>T. VCF-style: chr6-75866946-G-T. GRCh37 (hg19) VCF-style: chr6-76576663-G-T.
Other names: c.1785G>T (NM_004999.3); c.1785G>T, p.Glu595Asp (NM_001300899.2, NM_001368136.1, NM_001368137.1 and 2 more transcripts); c.1770G>T, p.Glu590Asp (NM_001368138.1); short protein forms E595D, E590D.
Identifiers: ClinVar variation 3003333 (VCV003003333.4), dbSNP rs200827959, ClinGen allele CA3897220.
Genomic context (GRCh38, chr6:75,866,946, plus strand): 5'-TTATCACAAGATGGACAGAAACATTCCTGTTTGATTTATTTTTCAGACCCAGTTTGTGGA[G>T]AAAAATAATGATGCTTTACATATGTCTCTTGAATCCTTAATATGTGAATCCAGAGATAAG-3'
Protein context (NP_004990.3, residues 585-605): AVCYETTQFV[Glu595Asp]KNNDALHMSL

ClinVar aggregate classification (germline): Uncertain significance. Review status: criteria provided, multiple submitters, no conflicts (2 of 4 stars). 2 submissions from 2 submitters: Uncertain significance (2). Last evaluated 2026-02-07.

Conditions:
MYO6-related disorder. Also called: MYO6-related condition; MYO6-related disorders.

Allele frequency attached by ClinVar (database versions not stated): gnomAD exomes 0.00005; TOPMed 0.00006; gnomAD 0.00009; ExAC 0.00012; 1000 Genomes Project 30x 0.00016; 1000 Genomes Project 0.00020.
gnomAD v4.1: 89 of 1,613,850 alleles (0.0055%); highest among the groups gnomAD compares: Middle Eastern, 0.13%; 1 homozygote.

Submissions (2):

PreventionGenetics, part of Exact Sciences
Classification: Uncertain significance for MYO6-related condition. Last evaluated: 2026-02-07. Review status: criteria provided, single submitter. Criteria: ACMG Guidelines, 2015. Collection method: clinical testing. Allele origin: germline.
Comment: The MYO6 c.1785G>T variant is predicted to result in the amino acid substitution p.Glu595Asp. To our knowledge, this variant has not been reported in the literature. This variant is reported in 0.042% of alleles in individuals of South Asian descent in gnomAD. At this time, the clinical significance of this variant is uncertain due to the absence of conclusive functional and genetic evidence.

Labcorp Genetics (formerly Invitae), Labcorp
Classification: Uncertain significance. Last evaluated: 2023-12-07. Review status: criteria provided, single submitter. Criteria: Invitae Variant Classification Sherloc (09022015). Collection method: clinical testing. Allele origin: germline.
Comment: This sequence change replaces glutamic acid, which is acidic and polar, with aspartic acid, which is acidic and polar, at codon 595 of the MYO6 protein (p.Glu595Asp). This variant is present in population databases (rs200827959, gnomAD 0.04%). This variant has not been reported in the literature in individuals affected with MYO6-related conditions. Advanced modeling of protein sequence and biophysical properties (such as structural, functional, and spatial information, amino acid conservation, physicochemical variation, residue mobility, and thermodynamic stability) performed at Invitae indicates that this missense variant is not expected to disrupt MYO6 protein function with a negative predictive value of 80%. In summary, the available evidence is currently insufficient to determine the role of this variant in disease. Therefore, it has been classified as a Variant of Uncertain Significance.